The following is an entry in ClinVar:

ClinVar aggregate classification (germline): Pathogenic (1 of 4 stars; one submission).

Conditions:
Autism spectrum disorder due to AUTS2 deficiency (MRD26). Also called: INTELLECTUAL DEVELOPMENTAL DISORDER, AUTOSOMAL DOMINANT 26. Identifiers: Orphanet 352490, MedGen C4014435, MONDO:0014361, OMIM 615834.

Submission:

Suzhou Clinical Center for Rare Diseases in Children, Children's Hospital of Soochow University
Classification: Pathogenic for Autism spectrum disorder due to AUTS2 deficiency. Last evaluated: 2024-09-01. Review status: criteria provided, single submitter. Criteria: ACMG/ClinGen CNV Guidelines, 2019. Collection method: clinical testing. Allele origin: de novo. Inheritance: Sporadic. Affected: yes. Observed: 1 heterozygote.
Comment: Copy number variation identified through the course of routine clinical cytogenomic testing in postnatal populations. Clinical assertions have been curated as described in Kaminsky et al. 2011.

Single allele

Genes: AUTS2 (activator of transcription and developmental regulator AUTS2; plus strand), GALNT17 (polypeptide N-acetylgalactosaminyltransferase 17; plus strand), KCTD7 (potassium channel tetramerization domain containing 7; plus strand), RABGEF1 (RAB guanine nucleotide exchange factor 1; plus strand), SBDS (SBDS ribosome maturation factor; minus strand) and 2 more. Cytogenetic location: 7q11.21-11.22.
Variant type: Deletion.
Identifiers: ClinVar variation 3362873 (VCV003362873.2).